The following is an entry in ClinVar:

ClinVar aggregate classification (germline): Uncertain significance (1 of 4 stars; one submission).

Allele frequency attached by ClinVar (database versions not stated): ExAC 0.00001; gnomAD exomes 0.00001; TOPMed 0.00001; gnomAD 0.00002; ESP Exome Variant Server 0.00008.
gnomAD v4.1: 23 of 1,596,484 alleles (0.0014%); highest among the groups gnomAD compares: Admixed American, 0.0018%; no homozygotes.

Submission:

Labcorp Genetics (formerly Invitae), Labcorp
Classification: Uncertain significance. Last evaluated: 2023-08-17. Review status: criteria provided, single submitter. Criteria: Invitae Variant Classification Sherloc (09022015). Collection method: clinical testing. Allele origin: germline.
Comment: This sequence change replaces glutamine, which is neutral and polar, with lysine, which is basic and polar, at codon 49 of the CEP135 protein (p.Gln49Lys). The frequency data for this variant in the population databases is considered unreliable, as metrics indicate poor data quality at this position in the gnomAD database. This variant has not been reported in the literature in individuals affected with CEP135-related conditions. Algorithms developed to predict the effect of missense changes on protein structure and function output the following: SIFT: "Not Available"; PolyPhen-2: "Benign"; Align-GVGD: "Not Available". The lysine amino acid residue is found in multiple mammalian species, which suggests that this missense change does not adversely affect protein function. In summary, the available evidence is currently insufficient to determine the role of this variant in disease. Therefore, it has been classified as a Variant of Uncertain Significance.

NM_025009.5(CEP135):c.145C>A (p.Gln49Lys)

Gene: CEP135 (centrosomal protein 135; plus strand). Cytogenetic location: 4q12.
Variant type: single nucleotide variant.
Coding change: c.145C>A on transcript NM_025009.5 (MANE Select); coding-DNA position 145, C replaced by A.
Protein change: p.Gln49Lys; replaces glutamine 49 with lysine.
Molecular consequence: missense variant.
Genome position (GRCh38, 1-based): chr4:55,953,116, C>A. VCF-style: chr4-55953116-C-A. GRCh37 (hg19) VCF-style: chr4-56819282-C-A.
Other names: short protein forms Q49K.
Identifiers: ClinVar variation 2981021 (VCV002981021.1), dbSNP rs369524947, ClinGen allele CA2927477.